The following is an entry in ClinVar:

ClinVar aggregate classification (germline): Conflicting classifications of pathogenicity. Review status: criteria provided, conflicting classifications (1 of 4 stars). 9 submissions from 9 submitters: Uncertain significance (5); Likely benign (3). 1 of the submissions does not count toward it. Last evaluated 2025-12-22.

Conditions:
TSC2-related disorder. Also called: TSC2-related condition; TSC2-Related Disorders.
Isolated focal cortical dysplasia type II (FCORD2). Also called: Focal cortical dysplasia type II; CORTICAL DYSPLASIA OF TAYLOR. Identifiers: Orphanet 268994, MedGen C1846385, MONDO:0011818, OMIM 607341, HP:0032051.
Hereditary cancer-predisposing syndrome. Also called: Neoplastic Syndromes, Hereditary; Tumor predisposition; Hereditary Cancer Syndrome; Hereditary neoplastic syndrome. Identifiers: Orphanet 140162, MedGen C0027672, MeSH D009386, MONDO:0015356.
Tuberous sclerosis syndrome (TSC). Also called: Tuberous Sclerosis Complex; Tuberous sclerosis. Identifiers: Orphanet 805, MedGen C0041341, MONDO:0001734.
Tuberous sclerosis 2 (TSC2). Identifiers: Orphanet 805, MedGen C1860707, MONDO:0013199, OMIM 613254.

Allele frequency attached by ClinVar (database versions not stated): gnomAD 0.00001; TOPMed 0.00003; gnomAD exomes below 0.00001.
gnomAD v4.1: 5 of 1,612,626 alleles (0.00031%); highest among the groups gnomAD compares: Non-Finnish European, 0.00042%; no homozygotes.

Submissions (9):

Labcorp Genetics (formerly Invitae), Labcorp
Classification: Likely benign for Tuberous sclerosis 2. Last evaluated: 2025-12-22. Review status: criteria provided, single submitter. Criteria: Invitae Variant Classification Sherloc (09022015). Collection method: clinical testing. Allele origin: germline.

Baylor Genetics
Classification: Uncertain significance for Isolated focal cortical dysplasia type II. Last evaluated: 2023-10-05. Review status: criteria provided, single submitter. Criteria: ACMG Guidelines, 2015. Collection method: clinical testing. Allele origin: unknown.

Blueprint Genetics
Classification: Uncertain significance. Last evaluated: 2023-09-15. Review status: criteria provided, single submitter. Criteria: ACMG Guidelines, 2015. Collection method: clinical testing. Allele origin: germline.

All of Us Research Program, National Institutes of Health
Classification: Uncertain significance for Tuberous sclerosis syndrome. Last evaluated: 2023-08-15. Review status: criteria provided, single submitter. Criteria: ACMG Guidelines, 2015. Collection method: clinical testing. Allele origin: germline. Inheritance: Autosomal dominant inheritance. Observed: 5 variant alleles, 5 heterozygotes.
Comment: This missense variant replaces aspartic acid with asparagine at codon 1541 of the TSC2 protein. Computational prediction is inconclusive regarding the impact of this variant on protein structure and function (internally defined REVEL score threshold 0.5 < inconclusive < 0.7, PMID: 27666373). To our knowledge, functional studies have not been reported for this variant. This variant has not been reported in individuals affected with TSC2-related disorders in the literature. This variant has not been identified in the general population by the Genome Aggregation Database (gnomAD). The available evidence is insufficient to determine the role of this variant in disease conclusively. Therefore, this variant is classified as a Variant of Uncertain Significance.

This study involves interpretation of variants in research participants for the purpose of population health screening. Participant phenotype was not available at the time of variant classification. Additional details can be found in publication PMID: 35346344, PMCID: PMC8962531

Ambry Genetics
Classification: Likely benign for Hereditary cancer-predisposing syndrome. Last evaluated: 2023-05-09. Review status: criteria provided, single submitter. Criteria: Ambry Variant Classification Scheme 2023. Collection method: clinical testing. Allele origin: germline.

GeneDx
Classification: Uncertain significance. Last evaluated: 2023-04-28. Review status: criteria provided, single submitter. Criteria: GeneDx Variant Classification Process June 2021. Collection method: clinical testing. Allele origin: germline. Affected: yes.
Comment: In silico analysis supports that this missense variant has a deleterious effect on protein structure/function; Has not been previously published as pathogenic or benign to our knowledge; This variant is associated with the following publications: (PMID: 18466115)

Genome-Nilou Lab
Classification: Likely benign for Tuberous sclerosis 2. Last evaluated: 2021-11-07. Review status: criteria provided, single submitter. Criteria: ACMG Guidelines, 2015. Collection method: clinical testing. Allele origin: germline. Affected: no.

Sema4
Classification: Uncertain significance for Hereditary cancer-predisposing syndrome. Last evaluated: 2021-08-17. Review status: criteria provided, single submitter. Criteria: Sema4 Curation Guidelines. Collection method: curation. Allele origin: germline.
Comment: The TSC2 c.4621G>A (p.D1541N) variant has not been reported in the literature to our knowledge. It was not observed in the large and broad cohorts of the Genome Aggregation Database (PMID: 32461654). The variant has been reported in ClinVar (Variation ID 535990). Functional studies have not been performed, and in silico predictions of the variant's effect on protein function are inconclusive. The evidence is insufficient to meet ACMG/AMP criteria for classifying the variant as benign or pathogenic. Thus, the clinical significance of this variant is currently uncertain.

PreventionGenetics, part of Exact Sciences
Classification: Uncertain significance for TSC2-related condition. Last evaluated: 2024-01-19. Review status: no assertion criteria provided. Collection method: clinical testing. Allele origin: germline. Not counted in ClinVar's aggregate classification.
Comment: The TSC2 c.4621G>A variant is predicted to result in the amino acid substitution p.Asp1541Asn. To our knowledge, this variant has not been reported in the literature or in a large population database, indicating this variant is rare. At this time, the clinical significance of this variant is uncertain due to the absence of conclusive functional and genetic evidence.

NM_000548.5(TSC2):c.4621G>A (p.Asp1541Asn)

Gene: TSC2 (TSC complex subunit 2; plus strand). Cytogenetic location: 16p13.3.
Variant type: single nucleotide variant.
Coding change: c.4621G>A on transcript NM_000548.5 (MANE Select); coding-DNA position 4621, G replaced by A.
Protein change: p.Asp1541Asn; replaces aspartic acid 1541 with asparagine.
Molecular consequence: missense variant.
Genome position (GRCh38, 1-based): chr16:2,085,281, G>A. VCF-style: chr16-2085281-G-A. GRCh37 (hg19) VCF-style: chr16-2135282-G-A.
Other names: c.4420G>A, p.Asp1474Asn (NM_001077183.3); c.4552G>A, p.Asp1518Asn (NM_001114382.3); c.4312G>A, p.Asp1438Asn (NM_001318827.2); c.4276G>A, p.Asp1426Asn (NM_001318829.2); c.3889G>A, p.Asp1297Asn (NM_001318831.2); c.4453G>A, p.Asp1485Asn (NM_001318832.2); c.4423G>A, p.Asp1475Asn (NM_001363528.2); c.4489G>A, p.Asp1497Asn (NM_001370404.1); and 2 more; short protein forms D1541N, D1498N, D1474N, D1475N, D1426N, D1518N, D1297N, D1438N.
Identifiers: ClinVar variation 535990 (VCV000535990.25), dbSNP rs796872464, ClinGen allele CA276754962.